The following is an entry in ClinVar:

NM_016207.4(CPSF3):c.-97G>T

Gene: CPSF3 (cleavage and polyadenylation specific factor 3; plus strand). Cytogenetic location: 2p25.1.
Variant type: single nucleotide variant.
Coding change: c.-97G>T on transcript NM_016207.4 (MANE Select); 97 bases upstream of the start codon, G replaced by T.
Molecular consequence: 5 prime UTR variant.
Genome position (GRCh38, 1-based): chr2:9,423,677, G>T. VCF-style: chr2-9423677-G-T. GRCh37 (hg19) VCF-style: chr2-9563806-G-T.
Other names: c.-437G>T (NM_001321833.2); c.-1345G>T (NM_001321834.2); c.-386G>T (NM_001321835.2); c.-404G>T (NM_001321836.2).
Identifiers: ClinVar variation 4820707 (VCV004820707.4).

ClinVar aggregate classification (germline): Likely benign (1 of 4 stars; one submission).

gnomAD v4.1: 7,682 of 1,476,866 alleles (0.52%); highest among the groups gnomAD compares: Admixed American, 0.63%; 38 homozygotes.

Submission:

CeGaT Center for Human Genetics Tuebingen
Classification: Likely benign. Last evaluated: 2026-03-01. Review status: criteria provided, single submitter. Criteria: CeGaT Center For Human Genetics Tuebingen Variant Classification Criteria Version 2. Collection method: clinical testing. Allele origin: germline. Affected: yes. Observed: 1 variant allele.
Comment: CPSF3: BS2